The following is an entry in ClinVar:

ClinVar aggregate classification (germline): Pathogenic. Review status: criteria provided, multiple submitters, no conflicts (2 of 4 stars). 2 submissions from 2 submitters: Pathogenic (2). Last evaluated 2026-08-05.

Conditions:
Hereditary cancer-predisposing syndrome. Also called: Tumor predisposition; Hereditary Cancer Syndrome; Hereditary neoplastic syndrome; Neoplastic Syndromes, Hereditary. Identifiers: Orphanet 140162, MedGen C0027672, MeSH D009386, MONDO:0015356.
Inherited ovarian cancer (without breast cancer).

Submissions (2):

Genetics Laboratory, Great Ormond Street Hospital NHS Foundation Trust, North Thames Genomic Laboratory Hub
Classification: Pathogenic for Inherited ovarian cancer (without breast cancer). Last evaluated: 2026-08-05. Review status: criteria provided, single submitter. Criteria: CanVIG BRCA Gene Specific V1.22. Collection method: clinical testing. Allele origin: germline. Affected: yes.
Comment: PM2_moderate, PVS1_very-strong, PM5_strong

Ambry Genetics
Classification: Pathogenic for Hereditary cancer-predisposing syndrome. Last evaluated: 2019-05-10. Review status: criteria provided, single submitter. Criteria: Ambry Variant Classification Scheme 2023. Collection method: clinical testing. Allele origin: germline.
Comment: The p.S2095* pathogenic mutation (also known as c.6284C>G), located in coding exon 10 of the BRCA2 gene, results from a C to G substitution at nucleotide position 6284. This changes the amino acid from a serine to a stop codon within coding exon 10. This alteration is expected to result in loss of function by premature protein truncation or nonsense-mediated mRNA decay. As such, this alteration is interpreted as a disease-causing mutation.

NM_000059.4(BRCA2):c.6284C>G (p.Ser2095Ter)

Gene: BRCA2 (BRCA2 DNA repair associated; plus strand). Cytogenetic location: 13q13.1.
Variant type: single nucleotide variant.
Coding change: c.6284C>G on transcript NM_000059.4 (MANE Select); coding-DNA position 6284, C replaced by G.
Protein change: p.Ser2095Ter; replaces serine 2095 with a stop codon.
Molecular consequence: nonsense.
Genome position (GRCh38, 1-based): chr13:32,340,639, C>G. VCF-style: chr13-32340639-C-G. GRCh37 (hg19) VCF-style: chr13-32914776-C-G.
Other names: short protein forms S2095*.
Identifiers: ClinVar variation 826293 (VCV000826293.5), dbSNP rs1593908124, ClinGen allele CA387789000.